The following is an entry in ClinVar:

ClinVar aggregate classification (germline): Uncertain significance (1 of 4 stars; one submission).

Conditions:
Inborn genetic diseases. Identifiers: MedGen C0950123, MeSH D030342.

gnomAD v4.1: 7 of 1,614,128 alleles (0.00043%); highest among the groups gnomAD compares: Non-Finnish European, 0.00059%; no homozygotes.

Submission:

Ambry Genetics
Classification: Uncertain significance for Inborn genetic diseases. Last evaluated: 2024-01-03. Review status: criteria provided, single submitter. Criteria: Ambry Variant Classification Scheme 2023. Collection method: clinical testing. Allele origin: germline.
Comment: The p.V531F variant (also known as c.1591G>T), located in coding exon 17 of the ERCC2 gene, results from a G to T substitution at nucleotide position 1591. The valine at codon 531 is replaced by phenylalanine, an amino acid with highly similar properties. This amino acid position is conserved. In addition, this alteration is predicted to be deleterious by in silico analysis. Since supporting evidence is limited at this time, the clinical significance of this alteration remains unclear.

NM_000400.4(ERCC2):c.1591G>T (p.Val531Phe)

Gene: ERCC2 (ERCC excision repair 2, TFIIH core complex helicase subunit; minus strand). Cytogenetic location: 19q13.32.
Variant type: single nucleotide variant.
Coding change: c.1591G>T on transcript NM_000400.4 (MANE Select); coding-DNA position 1591, G replaced by T.
Protein change: p.Val531Phe; replaces valine 531 with phenylalanine.
Molecular consequence: missense variant.
Genome position (GRCh38, 1-based): chr19:45,354,804, C>A on the plus strand (G>T on the coding strand, the complement: ERCC2 is on the minus strand). VCF-style: chr19-45354804-C-A. GRCh37 (hg19) VCF-style: chr19-45858062-C-A.
Other names: short protein forms V531F.
Identifiers: ClinVar variation 1775934 (VCV001775934.2), dbSNP rs749852903, ClinGen allele CA9513193.